The following is an entry in ClinVar:

ClinVar aggregate classification (germline): Uncertain significance (1 of 4 stars; one submission).

Conditions:
Cardiovascular phenotype. Identifiers: MedGen CN230736.

Allele frequency attached by ClinVar (database versions not stated): TOPMed 0.00001 and below 0.00001; gnomAD 0.00001.
gnomAD v4.1: 1 of 1,613,938 alleles (0.000062%); highest among the groups gnomAD compares: Non-Finnish European, 0.000085%; no homozygotes.

Submission:

Ambry Genetics
Classification: Uncertain significance for Cardiovascular phenotype. Last evaluated: 2026-08-24. Review status: criteria provided, single submitter. Criteria: Ambry Variant Classification Scheme 2023. Collection method: clinical testing. Allele origin: germline.
Comment: The p.T3854P variant (also known as c.11560A>C), located in coding exon 26 of the APOB gene, results from an A to C substitution at nucleotide position 11560. The threonine at codon 3854 is replaced by proline, an amino acid with highly similar properties. This amino acid position is conserved. In addition, this alteration is predicted to be tolerated by in silico analysis. Based on the available evidence, the clinical significance of this variant remains unclear.

NM_000384.3(APOB):c.11560A>C (p.Thr3854Pro)

Gene: APOB (apolipoprotein B; minus strand). Cytogenetic location: 2p24.1.
Variant type: single nucleotide variant.
Coding change: c.11560A>C on transcript NM_000384.3 (MANE Select); coding-DNA position 11560, A replaced by C.
Protein change: p.Thr3854Pro; replaces threonine 3854 with proline.
Molecular consequence: missense variant.
Genome position (GRCh38, 1-based): chr2:21,005,308, T>G on the plus strand (A>C on the coding strand, the complement: APOB is on the minus strand). VCF-style: chr2-21005308-T-G. GRCh37 (hg19) VCF-style: chr2-21228180-T-G.
Other names: short protein forms T3854P.
Identifiers: ClinVar variation 5027919 (VCV005027919.1), dbSNP rs1176973359.